The following is an entry in ClinVar:

NM_000059.4(BRCA2):c.2122T>A (p.Ser708Thr)

Gene: BRCA2 (BRCA2 DNA repair associated; plus strand). Cytogenetic location: 13q13.1.
Variant type: single nucleotide variant.
Coding change: c.2122T>A on transcript NM_000059.4 (MANE Select); coding-DNA position 2122, T replaced by A.
Protein change: p.Ser708Thr; replaces serine 708 with threonine.
Molecular consequence: missense variant.
Genome position (GRCh38, 1-based): chr13:32,336,477, T>A. VCF-style: chr13-32336477-T-A. GRCh37 (hg19) VCF-style: chr13-32910614-T-A.
Other names: short protein forms S708T.
Identifiers: ClinVar variation 51246 (VCV000051246.30), dbSNP rs80358488, ClinGen allele CA014385.

ClinVar aggregate classification (germline): Conflicting classifications of pathogenicity. Review status: criteria provided, conflicting classifications (1 of 4 stars). 14 submissions from 14 submitters: Uncertain significance (5); Benign (1); Likely benign (5). 3 of the submissions do not count toward it. Last evaluated 2026-09-20.

Conditions:
BRCA2-related cancer predisposition. Identifiers: MedGen CN377758, MONDO:0700269.
BRCA2-related disorder. Also called: BRCA2-related condition; BRCA2-related disorders. Identifiers: MedGen CN239275.
Breast and/or ovarian cancer. Identifiers: MedGen CN221562.
Breast-ovarian cancer, familial, susceptibility to, 2 (BROVCA2). Also called: BRCA2 Hereditary Breast and Ovarian Cancer. Identifiers: Orphanet 145, MedGen C2675520, MONDO:0012933, OMIM 612555. Disease mechanism: loss of function.
Fanconi anemia complementation group D1. Also called: BRCA2-Related Fanconi Anemia. Identifiers: Orphanet 319462, MedGen C1838457, MONDO:0011584, OMIM 605724.
Medulloblastoma (MDB). Also called: MEDULLOBLASTOMA PREDISPOSITION SYNDROME; Medulloblastoma, somatic. Identifiers: Orphanet 616, MedGen C0025149, MeSH D008527, MONDO:0007959, OMIM 155255, HP:0002885.
Pancreatic cancer, susceptibility to, 2. Identifiers: Orphanet 1333, MedGen C3150546, MONDO:0013235, OMIM 613347.
Glioma susceptibility 3 (GLM3). Also called: Glioblastoma 3. Identifiers: Orphanet 182067, Orphanet 360, MedGen C2751641, MONDO:0013093, OMIM 613029.
Wilms tumor 1 (WT1). Also called: Wilms tumor, somatic. Identifiers: Orphanet 654, MedGen CN033288, MONDO:0008679, OMIM 194070.
Familial cancer of breast. Also called: hereditary breast carcinoma; BREAST CANCER, FAMILIAL; Hereditary breast cancer. Identifiers: Orphanet 227535, MedGen C0346153, MONDO:0016419, OMIM 114480. Disease mechanism: loss of function.
Prostate cancer. Also called: Malignant tumor of prostate. Identifiers: Orphanet 1331, MedGen C0376358, MONDO:0008315, HP:0012125.
Hereditary cancer-predisposing syndrome. Also called: Hereditary Cancer Syndrome; Neoplastic Syndromes, Hereditary; Hereditary neoplastic syndrome; Tumor predisposition. Identifiers: Orphanet 140162, MedGen C0027672, MeSH D009386, MONDO:0015356.
Hereditary breast ovarian cancer syndrome. Also called: Hereditary breast and ovarian cancer syndrome; Breast and ovarian cancer; Hereditary breast and ovarian cancer syndrome (HBOC); BRCA1- and BRCA2-Associated Hereditary Breast and Ovarian Cancer; Hereditary breast and/or ovarian cancer syndrome; Hereditary breast and ovarian cancer. Identifiers: Orphanet 145, MedGen C0677776, MeSH D061325, MONDO:0003582. Disease mechanism: loss of function.

Allele frequency attached by ClinVar (database versions not stated): gnomAD 0.00001 and 0.00002; gnomAD exomes 0.00002 and 0.00001; TOPMed 0.00005; 1000 Genomes Project 30x 0.00016; ExAC 0.00004; 1000 Genomes Project 0.00020.
gnomAD v4.1: 6 of 1,614,078 alleles (0.00037%); highest among the groups gnomAD compares: East Asian, 0.013%; no homozygotes.

Submissions (14):

PreventionGenetics, part of Exact Sciences
Classification: Likely benign for BRCA2-related condition. Last evaluated: 2026-09-20. Review status: criteria provided, single submitter. Criteria: ACMG Guidelines, 2015. Collection method: clinical testing. Allele origin: germline.
Comment: This variant is classified as likely benign based on ACMG/AMP sequence variant interpretation guidelines (Richards et al. 2015 PMID: 25741868, with internal and published modifications).

Labcorp Genetics (formerly Invitae), Labcorp
Classification: Uncertain significance for Hereditary breast ovarian cancer syndrome. Last evaluated: 2025-12-05. Review status: criteria provided, single submitter. Criteria: Invitae Variant Classification Sherloc (09022015). Collection method: clinical testing. Allele origin: germline.
Comment: This sequence change replaces serine, which is neutral and polar, with threonine, which is neutral and polar, at codon 708 of the BRCA2 protein (p.Ser708Thr). This variant is present in population databases (rs80358488, gnomAD 0.03%). This missense change has been observed in individual(s) with breast cancer, colon cancer, and ovarian cancer (PMID: 14973102, 26689913, 30039884, 30078507, 30093976). ClinVar contains an entry for this variant (Variation ID: 51246). Invitae Evidence Modeling of protein sequence and biophysical properties (such as structural, functional, and spatial information, amino acid conservation, physicochemical variation, residue mobility, and thermodynamic stability) indicates that this missense variant is not expected to disrupt BRCA2 protein function with a negative predictive value of 95%. In summary, the available evidence is currently insufficient to determine the role of this variant in disease. Therefore, it has been classified as a Variant of Uncertain Significance.

Center for Genomic Medicine, Rigshospitalet, Copenhagen University Hospital
Classification: Benign. Last evaluated: 2025-03-04. Review status: criteria provided, single submitter. Criteria: ACMG Guidelines, 2015. Collection method: clinical testing. Allele origin: germline.

Color Diagnostics, LLC DBA Color Health
Classification: Likely benign for Hereditary cancer-predisposing syndrome. Last evaluated: 2024-11-05. Review status: criteria provided, single submitter. Criteria: ACMG Guidelines, 2015. Collection method: clinical testing. Allele origin: germline.

All of Us Research Program, National Institutes of Health
Classification: Uncertain significance for BRCA2-related cancer predisposition. Last evaluated: 2024-09-02. Review status: criteria provided, single submitter. Criteria: ACMG Guidelines, 2015. Collection method: clinical testing. Allele origin: germline. Inheritance: Autosomal dominant inheritance. Observed: 4 variant alleles, 4 heterozygotes.
Comment: This missense variant replaces serine with threonine at codon 708 of the BRCA2 protein. Computational prediction suggests that this variant may not impact protein structure and function (internally defined REVEL score threshold <= 0.5, PMID: 27666373). To our knowledge, functional studies have not been reported for this variant. This variant has been reported in individuals affected with breast, ovarian and colorectal cancer and in similar number of unaffected individuals (PMID: 14973102, 26689913, 27157322, 30078507, 30093976, 33471991; Leiden Open Variation Database DB-ID BRCA2_007135). This variant has been identified in 7/282362 chromosomes in the general population by the Genome Aggregation Database (gnomAD). The available evidence is insufficient to determine the role of this variant in disease conclusively. Therefore, this variant is classified as a Variant of Uncertain Significance.

This study involves interpretation of variants in research participants for the purpose of population health screening. Participant phenotype was not available at the time of variant classification. Additional details can be found in publication PMID: 35346344, PMCID: PMC8962531

Myriad Genetics, Inc.
Classification: Likely benign for Breast-ovarian cancer, familial, susceptibility to, 2. Last evaluated: 2024-08-26. Review status: criteria provided, single submitter. Criteria: Myriad Autosomal Dominant, Autosomal Recessive and X-Linked Classification Criteria (2023). Collection method: clinical testing. Allele origin: unknown.
Comment: This variant is considered likely benign. This variant is strongly associated with less severe personal and family histories of cancer, typical for individuals without pathogenic variants in this gene [PMID: 25085752].

Women's Health and Genetics/Laboratory Corporation of America, LabCorp
Classification: Uncertain significance. Last evaluated: 2023-09-26. Review status: criteria provided, single submitter. Criteria: LabCorp Variant Classification Summary - May 2015. Collection method: clinical testing. Allele origin: germline.
Comment: Variant summary: BRCA2 c.2122T>A (p.Ser708Thr) results in a conservative amino acid change in the encoded protein sequence. Five of five in-silico tools predict a benign effect of the variant on protein function. The variant allele was found at a frequency of 5.9e-05 in 305134 control chromosomes (gnomAD, Dong_2021). This frequency is not significantly higher than estimated for a pathogenic variant in BRCA2 causing Hereditary Breast And Ovarian Cancer Syndrome (5.9e-05 vs 0.00075), allowing no conclusion about variant significance. c.2122T>A has been reported in the literature in individuals affected with Colon Cancer (Chan_2018) and Breast and/or Ovarian Cancer (e.g. Dong_2018, Kwong_2016, Li_2018, Suter_2004, Lu_2015, Guo_2020, Dorling_2021, Feng_2023). These reports do not provide unequivocal conclusions about association of the variant with Hereditary Breast And Ovarian Cancer Syndrome. To our knowledge, no experimental evidence demonstrating an impact on protein function has been reported. The following publications have been ascertained in the context of this evaluation (PMID: 30093976, 30039884, 27157322, 30078507, 26689913, 14973102, 32467295, 37116400, 31837001, 33471991). Seven ClinVar submitters have assessed the variant since 2014: five classified the variant as uncertain significance, and two as likely benign. Based on the evidence outlined above, the variant was classified as uncertain significance.

GeneDx
Classification: Uncertain significance. Last evaluated: 2023-08-28. Review status: criteria provided, single submitter. Criteria: GeneDx Variant Classification Process June 2021. Collection method: clinical testing. Allele origin: germline. Affected: yes.
Comment: Observed in individuals with BRCA2-related cancers but also in healthy controls (Suter et al., 2004; Lu et al., 2015; Li et al., 2018; Dong et al., 2021); In silico analysis supports that this missense variant does not alter protein structure/function; Also known as 2350T>A; This variant is associated with the following publications: (PMID: 14973102, 30078507, 10923033, 28774860, 26689913, 32467295, 31825140, 31131967, 30093976)

University of Washington Department of Laboratory Medicine, University of Washington
Classification: Likely benign for Hereditary cancer-predisposing syndrome. Last evaluated: 2023-03-23. Review status: criteria provided, single submitter. Criteria: Dines et al. (Genet Med. 2020). Collection method: curation. Allele origin: germline.
Comment: Missense variant in a coldspot region where missense variants are very unlikely to be pathogenic (PMID:31911673).

BRCA2 exon 11 coldspot. Reclassification based on statistical prior probability.

Ambry Genetics
Classification: Likely benign for Hereditary cancer-predisposing syndrome. Last evaluated: 2022-09-06. Review status: criteria provided, single submitter. Criteria: Ambry Variant Classification Scheme 2023. Collection method: clinical testing. Allele origin: germline.

Fulgent Genetics
Classification: Uncertain significance for Familial cancer of breast; Medulloblastoma; Familial prostate cancer; Wilms tumor 1; Fanconi anemia complementation group D1; Breast-ovarian cancer, familial, susceptibility to, 2; Glioma susceptibility 3; Pancreatic cancer, susceptibility to, 2. Last evaluated: 2018-10-31. Review status: criteria provided, single submitter. Criteria: ACMG Guidelines, 2015. Collection method: clinical testing. Allele origin: unknown.

Counsyl
Classification: Uncertain significance for Breast-ovarian cancer, familial, susceptibility to, 2. Last evaluated: 2017-03-31. Review status: no assertion criteria provided. Collection method: clinical testing. Allele origin: unknown. Not counted in ClinVar's aggregate classification.

Foulkes Cancer Genetics LDI, Lady Davis Institute for Medical Research
Classification: Uncertain significance for Breast and/or ovarian cancer. Last evaluated: 2001-05-08. Review status: no assertion criteria provided. Collection method: clinical testing. Allele origin: germline. Study: The Canadian Open Genetics Repository (COGR). Not counted in ClinVar's aggregate classification.

Breast Cancer Information Core (BIC) (BRCA2)
Classification: Uncertain significance for Breast-ovarian cancer, familial 2. Last evaluated: 2000-07-07. Review status: no assertion criteria provided. Collection method: clinical testing. Allele origin: germline. Affected: yes. Observed: 2 variant alleles. Not counted in ClinVar's aggregate classification.

Literature cited by the submitters: PubMed 14973102 (cited by 5 submitters); PubMed 26689913 (cited by 3 submitters); PubMed 30039884 (cited by Labcorp Genetics (formerly Invitae), Labcorp and Women's Health and Genetics/Laboratory Corporation of America, LabCorp); PubMed 30078507 (cited by 3 submitters); PubMed 30093976 (cited by 4 submitters); PubMed 27157322 (cited by All of Us Research Program, National Institutes of Health and Women's Health and Genetics/Laboratory Corporation of America, LabCorp); PubMed 33471991 (cited by All of Us Research Program, National Institutes of Health and Women's Health and Genetics/Laboratory Corporation of America, LabCorp); PubMed 25085752 (cited by Myriad Genetics, Inc.); PubMed 31837001 (cited by Women's Health and Genetics/Laboratory Corporation of America, LabCorp); PubMed 32467295 (cited by Women's Health and Genetics/Laboratory Corporation of America, LabCorp); PubMed 37116400 (cited by Women's Health and Genetics/Laboratory Corporation of America, LabCorp).